The following is an entry in ClinVar:

NM_001286577.2(C2CD3):c.6094A>C (p.Arg2032=)

Gene: C2CD3 (C2 domain containing 3 centriole elongation regulator; minus strand). Cytogenetic location: 11q13.4.
Variant type: single nucleotide variant.
Coding change: c.6094A>C on transcript NM_001286577.2 (MANE Select); coding-DNA position 6094, A replaced by C.
Protein change: p.Arg2032=; no amino-acid change (arginine 2032 retained).
Molecular consequence: synonymous variant.
Genome position (GRCh38, 1-based): chr11:74,034,066, T>G on the plus strand (A>C on the coding strand, the complement: C2CD3 is on the minus strand). VCF-style: chr11-74034066-T-G. GRCh37 (hg19) VCF-style: chr11-73745111-T-G.
Other names: c.6094A>C (NM_001286577.1).
Identifiers: ClinVar variation 2163374 (VCV002163374.5), dbSNP rs552242640, ClinGen allele CA6181726.

ClinVar aggregate classification (germline): Likely benign. Review status: criteria provided, multiple submitters, no conflicts (2 of 4 stars). 2 submissions from 2 submitters: Likely benign (2). Last evaluated 2026-06-04.

Conditions:
C2CD3-related disorder. Also called: C2CD3-related condition.

Allele frequency attached by ClinVar (database versions not stated): gnomAD exomes 0.00006; ExAC 0.00020; gnomAD 0.00034; TOPMed 0.00037; 1000 Genomes Project 0.00040; 1000 Genomes Project 30x 0.00047.
gnomAD v4.1: 136 of 1,536,226 alleles (0.0089%); highest among the groups gnomAD compares: African/African-American, 0.11%; no homozygotes.

Submissions (2):

PreventionGenetics, part of Exact Sciences
Classification: Likely benign for C2CD3-related condition. Last evaluated: 2026-06-04. Review status: criteria provided, single submitter. Criteria: ACMG Guidelines, 2015. Collection method: clinical testing. Allele origin: germline.
Comment: This variant is classified as likely benign based on ACMG/AMP sequence variant interpretation guidelines (Richards et al. 2015 PMID: 25741868, with internal and published modifications).

Labcorp Genetics (formerly Invitae), Labcorp
Classification: Likely benign. Last evaluated: 2025-09-22. Review status: criteria provided, single submitter. Criteria: Invitae Variant Classification Sherloc (09022015). Collection method: clinical testing. Allele origin: germline.